The following is an entry in ClinVar:

NM_005472.5(KCNE3):c.113G>A (p.Gly38Glu)

Gene: KCNE3 (potassium voltage-gated channel subfamily E regulatory subunit 3; minus strand). Cytogenetic location: 11q13.4.
Variant type: single nucleotide variant.
Coding change: c.113G>A on transcript NM_005472.5 (MANE Select); coding-DNA position 113, G replaced by A.
Protein change: p.Gly38Glu; replaces glycine 38 with glutamic acid.
Molecular consequence: missense variant.
Genome position (GRCh38, 1-based): chr11:74,457,451, C>T on the plus strand (G>A on the coding strand, the complement: KCNE3 is on the minus strand). VCF-style: chr11-74457451-C-T. GRCh37 (hg19) VCF-style: chr11-74168496-C-T.
Other names: c.113G>A (NM_005472.4); short protein forms G38E.
Identifiers: ClinVar variation 1010885 (VCV001010885.9), dbSNP rs757172223, ClinGen allele CA6184857.

ClinVar aggregate classification (germline): Uncertain significance. Review status: criteria provided, multiple submitters, no conflicts (2 of 4 stars). 2 submissions from 2 submitters: Uncertain significance (2). Last evaluated 2025-01-28.

Conditions:
Brugada syndrome 6 (BRGDA6). Identifiers: Orphanet 130, MedGen C2751089, MONDO:0013145, OMIM 613119.
Cardiovascular phenotype. Identifiers: MedGen CN230736.

Allele frequency attached by ClinVar (database versions not stated): gnomAD 0.00001; gnomAD exomes 0.00001; TOPMed 0.00001; ExAC 0.00002.
gnomAD v4.1: 12 of 1,613,844 alleles (0.00074%); highest among the groups gnomAD compares: African/African-American, 0.0013%; no homozygotes.

Submissions (2):

Ambry Genetics
Classification: Uncertain significance for Cardiovascular phenotype. Last evaluated: 2025-01-28. Review status: criteria provided, single submitter. Criteria: Ambry Variant Classification Scheme 2023. Collection method: clinical testing. Allele origin: germline.
Comment: The p.G38E variant (also known as c.113G>A), located in coding exon 1 of the KCNE3 gene, results from a G to A substitution at nucleotide position 113. The glycine at codon 38 is replaced by glutamic acid, an amino acid with similar properties. This amino acid position is conserved. In addition, this alteration is predicted to be tolerated by in silico analysis. Based on the available evidence, the clinical significance of this variant remains unclear.

Labcorp Genetics (formerly Invitae), Labcorp
Classification: Uncertain significance for Brugada syndrome 6. Last evaluated: 2023-07-29. Review status: criteria provided, single submitter. Criteria: Invitae Variant Classification Sherloc (09022015). Collection method: clinical testing. Allele origin: germline.
Comment: In summary, the available evidence is currently insufficient to determine the role of this variant in disease. Therefore, it has been classified as a Variant of Uncertain Significance. Algorithms developed to predict the effect of missense changes on protein structure and function output the following: SIFT: "Not Available"; PolyPhen-2: "Benign"; Align-GVGD: "Not Available". The glutamic acid amino acid residue is found in multiple mammalian species, which suggests that this missense change does not adversely affect protein function. ClinVar contains an entry for this variant (Variation ID: 1010885). This variant has not been reported in the literature in individuals affected with KCNE3-related conditions. This variant is present in population databases (rs757172223, gnomAD 0.007%). This sequence change replaces glycine, which is neutral and non-polar, with glutamic acid, which is acidic and polar, at codon 38 of the KCNE3 protein (p.Gly38Glu).